The following is an entry in ClinVar:

NC_000012.12:g.(?_132635882)_(132687315_?)dup

Gene: POLE (DNA polymerase epsilon, catalytic subunit; minus strand). Cytogenetic location: 12q24.33.
Variant type: Duplication.
Identifiers: ClinVar variation 831660 (VCV000831660.6).

ClinVar aggregate classification (germline): Uncertain significance (1 of 4 stars; one submission).

Submission:

Labcorp Genetics (formerly Invitae), Labcorp
Classification: Uncertain significance. Last evaluated: 2019-10-12. Review status: criteria provided, single submitter. Criteria: Invitae Variant Classification Sherloc (09022015). Collection method: clinical testing. Allele origin: germline.
Comment: This variant results in a copy number gain of the genomic region encompassing exons 1-42 of the POLE gene, which includes the initiator codon. The 5' end of this event is unknown as it extends beyond the assayed region for this gene and therefore may encompass additional genes. The 3' boundary is likely confined to intron 42 of the POLE gene. As the precise location of this event is unknown, it may be in tandem or it may be located elsewhere in the genome. This variant has not been reported in the literature in individuals with POLE-related conditions. In summary, the available evidence is currently insufficient to determine the role of this variant in disease. Therefore, it has been classified as a Variant of Uncertain Significance.